The following is an entry in ClinVar:

NM_054012.4(ASS1):c.1138C>T (p.Gln380Ter)

Gene: ASS1 (argininosuccinate synthase 1; plus strand). Cytogenetic location: 9q34.11.
Variant type: single nucleotide variant.
Coding change: c.1138C>T on transcript NM_054012.4 (MANE Select); coding-DNA position 1138, C replaced by T.
Protein change: p.Gln380Ter; replaces glutamine 380 with a stop codon.
Molecular consequence: nonsense.
Genome position (GRCh38, 1-based): chr9:130,499,515, C>T. VCF-style: chr9-130499515-C-T. GRCh37 (hg19) VCF-style: chr9-133374902-C-T.
Other names: c.1138C>T, p.Gln380Ter (NM_000050.4); short protein forms Q380*.
Identifiers: ClinVar variation 188776 (VCV000188776.9), dbSNP rs786204460, ClinGen allele CA273943.

ClinVar aggregate classification (germline): Pathogenic. Review status: criteria provided, single submitter (1 of 4 stars). 2 submissions from 2 submitters: Pathogenic (1). 1 of the submissions does not count toward it. Last evaluated 2021-09-18.

Conditions:
Citrullinemia. Identifiers: Orphanet 187, MedGen C0175683, MONDO:0015991.
Citrullinemia type I (CTNL1). Also called: ASS DEFICIENCY; argininosuccinate synthetase deficiency. Identifiers: Orphanet 247525, MedGen C4721769, MONDO:0008988, OMIM 215700.

Submissions (2):

Labcorp Genetics (formerly Invitae), Labcorp
Classification: Pathogenic for Citrullinemia. Last evaluated: 2021-09-18. Review status: criteria provided, single submitter. Criteria: Invitae Variant Classification Sherloc (09022015). Collection method: clinical testing. Allele origin: germline.
Comment: This variant is not present in population databases (ExAC no frequency). This sequence change creates a premature translational stop signal (p.Gln380*) in the ASS1 gene. It is expected to result in an absent or disrupted protein product. Loss-of-function variants in ASS1 are known to be pathogenic (PMID: 18473344, 19006241). This premature translational stop signal has been observed in individual(s) with citrullinemia (PMID: 12815590). ClinVar contains an entry for this variant (Variation ID: 188776). For these reasons, this variant has been classified as Pathogenic.

Counsyl
Classification: Likely pathogenic for Citrullinemia type I. Last evaluated: 2014-05-08. Review status: no assertion criteria provided. Collection method: literature only. Allele origin: unknown. Inheritance: Autosomal recessive inheritance. Not counted in ClinVar's aggregate classification.

Literature cited by the submitters: PubMed 18473344 (cited by Labcorp Genetics (formerly Invitae), Labcorp); PubMed 19006241 (cited by Labcorp Genetics (formerly Invitae), Labcorp and Counsyl); PubMed 12815590 (cited by Labcorp Genetics (formerly Invitae), Labcorp and Counsyl); PubMed 11738042 (cited by Counsyl).